The following is an entry in ClinVar:

ClinVar aggregate classification (germline): Uncertain significance (1 of 4 stars; one submission).

Allele frequency attached by ClinVar (database versions not stated): gnomAD exomes 0.00001; TOPMed 0.00001.

Submission:

Labcorp Genetics (formerly Invitae), Labcorp
Classification: Uncertain significance. Last evaluated: 2026-01-11. Review status: criteria provided, single submitter. Criteria: Invitae Variant Classification Sherloc (09022015). Collection method: clinical testing. Allele origin: germline.
Comment: This sequence change replaces threonine, which is neutral and polar, with isoleucine, which is neutral and non-polar, at codon 98 of the RFWD3 protein (p.Thr98Ile). This variant is not present in population databases (gnomAD no frequency). This variant has not been reported in the literature in individuals affected with RFWD3-related conditions. ClinVar contains an entry for this variant (Variation ID: 2873214). An algorithm developed to predict the effect of missense changes on protein structure and function (PolyPhen-2) suggests that this variant is likely to be tolerated. In summary, the available evidence is currently insufficient to determine the role of this variant in disease. Therefore, it has been classified as a Variant of Uncertain Significance.

NM_018124.4(RFWD3):c.293C>T (p.Thr98Ile)

Gene: RFWD3 (ring finger and WD repeat domain 3; minus strand). Cytogenetic location: 16q23.1.
Variant type: single nucleotide variant.
Coding change: c.293C>T on transcript NM_018124.4 (MANE Select); coding-DNA position 293, C replaced by T.
Protein change: p.Thr98Ile; replaces threonine 98 with isoleucine.
Molecular consequence: missense variant. On other transcripts: 5 prime UTR variant (4), intron variant (1).
Genome position (GRCh38, 1-based): chr16:74,661,157, G>A on the plus strand (C>T on the coding strand, the complement: RFWD3 is on the minus strand). VCF-style: chr16-74661157-G-A. GRCh37 (hg19) VCF-style: chr16-74695055-G-A.
Other names: c.293C>T, p.Thr98Ile (NM_001370534.1, NM_001370535.1, NM_001370536.1); c.-716C>T (NM_001370537.1); c.-339C>T (NM_001370539.1, NM_001370541.1); c.-593C>T (NM_001370542.1); c.-471C>T (NM_001370543.1); c.-317+3467C>T (NM_001370540.1); short protein forms T98I.
Identifiers: ClinVar variation 2873214 (VCV002873214.3), dbSNP rs1384357529, ClinGen allele CA396764220.